The following is an entry in ClinVar:

ClinVar aggregate classification (germline): Pathogenic (1 of 4 stars; one submission).

Conditions:
Aortic aneurysm, familial thoracic 10 (AAT10). Identifiers: MedGen C4284414, MONDO:0014950, OMIM 617168.

Submission:

Institute of Human Genetics, University of Leipzig Medical Center
Classification: Pathogenic for Aortic aneurysm, familial thoracic 10. Last evaluated: 2025-06-02. Review status: criteria provided, single submitter. Criteria: ACMG Guidelines, 2015. Collection method: clinical testing. Allele origin: unknown. Inheritance: Autosomal dominant inheritance. Affected: yes.
Comment: Criteria applied: PVS1,PM2

NM_002317.7(LOX):c.1106_1109dup (p.Lys370fs)

Genes: LOX (lysyl oxidase; minus strand), SRFBP1 (serum response factor binding protein 1; plus strand). Cytogenetic location: 5q23.1.
Variant type: Duplication.
Coding change: c.1106_1109dup on transcript NM_002317.7 (MANE Select); coding-DNA positions 1106 to 1109, 4 bases duplicated (TAAA; older notation c.1106_1109dupTAAA).
Protein change: p.Lys370fs; shifts the reading frame from lysine 370.
Molecular consequence: frameshift variant.
Genome position (GRCh38, 1-based): chr5:122,070,516-122,070,519, TTTA duplicated on the plus strand (TAAA on the coding strand, the reverse complement: LOX is on the minus strand). VCF-style (leftmost placement, unchanged base first): chr5-122070515-T-TTTTA. GRCh37 (hg19) VCF-style: chr5-121406210-T-TTTTA.
Other names: c.416_419dup, p.Lys140fs (NM_001178102.2); c.215_218dup, p.Lys73fs (NM_001317073.1); short protein forms K370fs, K140fs, K73fs.
Identifiers: ClinVar variation 4056321 (VCV004056321.1).